The following is an entry in ClinVar:

NM_000321.3(RB1):c.1332+15T>C

Gene: RB1 (RB transcriptional corepressor 1; plus strand). Cytogenetic location: 13q14.2.
Variant type: single nucleotide variant.
Coding change: c.1332+15T>C on transcript NM_000321.3 (MANE Select); 15 bases into the intron after coding-DNA position 1332, T replaced by C.
Molecular consequence: intron variant.
Genome position (GRCh38, 1-based): chr13:48,377,049, T>C. VCF-style: chr13-48377049-T-C. GRCh37 (hg19) VCF-style: chr13-48951185-T-C.
Identifiers: ClinVar variation 881066 (VCV000881066.11), dbSNP rs762809210, ClinGen allele CA028151.
Genomic context (GRCh38, chr13:48,377,049, plus strand): 5'-ATTTGCTAAAGCTGTGGGACAGGGTTGTGTCGAAATTGGATCACAGGTAACTTGAATTCA[T>C]TGTAATTCGTGGTACTATAGAGTAATAATATTAAAAGCAGCATCTTTCCAGTTCGTATAA-3'

ClinVar aggregate classification (germline): Likely benign. Review status: criteria provided, multiple submitters, no conflicts (2 of 4 stars). 2 submissions from 2 submitters: Likely benign (2). Last evaluated 2026-01-19.

Conditions:
Retinoblastoma (RB1). Also called: RETINOBLASTOMA, SOMATIC. Identifiers: Orphanet 790, MedGen C0035335, MeSH D012175, MONDO:0008380, OMIM 180200, HP:0009919. Disease mechanism: loss of function. Inheritance: Both sporadic and heritable forms are tested..

Allele frequency attached by ClinVar (database versions not stated): TOPMed 0.00001; ExAC 0.00002.
gnomAD v4.1: 5 of 1,606,008 alleles (0.00031%); highest among the groups gnomAD compares: Middle Eastern, 0.017%; no homozygotes.

Submissions (2):

Labcorp Genetics (formerly Invitae), Labcorp
Classification: Likely benign for Retinoblastoma. Last evaluated: 2026-01-19. Review status: criteria provided, single submitter. Criteria: Invitae Variant Classification Sherloc (09022015). Collection method: clinical testing. Allele origin: germline.

Illumina Laboratory Services, Illumina
Classification: Likely benign for Retinoblastoma. Last evaluated: 2018-01-13. Review status: criteria provided, single submitter. Criteria: ICSL Variant Classification Criteria 13 December 2019. Collection method: clinical testing. Allele origin: germline.
Comment: This variant was observed in the ICSL laboratory as part of a predisposition screen in an ostensibly healthy population. It had not been previously curated by ICSL or reported in the Human Gene Mutation Database (HGMD: prior to June 1st, 2018), and was therefore a candidate for classification through an automated scoring system. Utilizing variant allele frequency, disease prevalence and penetrance estimates, and inheritance mode, an automated score was calculated to assess if this variant is too frequent to cause the disease. Based on the score and internal cut-off values, a variant classified as likely benign is not then subjected to further curation. The score for this variant resulted in a classification of likely benign for this disease.